The following is an entry in ClinVar:

ClinVar aggregate classification (germline): Pathogenic/Likely pathogenic. Review status: criteria provided, multiple submitters, no conflicts (2 of 4 stars). 3 submissions from 3 submitters: Pathogenic (1); Likely pathogenic (2). Last evaluated 2025-07-21.

Conditions:
RIDDLE syndrome. Identifiers: Orphanet 420741, MedGen C2677792, MONDO:0012764, OMIM 611943.

Allele frequency attached by ClinVar (database versions not stated): gnomAD exomes 0.00002 and 0.00003; TOPMed 0.00004; ESP Exome Variant Server 0.00015; gnomAD 0.00001; ExAC 0.00002.
gnomAD v4.1: 42 of 1,613,834 alleles (0.0026%); highest among the groups gnomAD compares: Non-Finnish European, 0.0035%; no homozygotes.

Submissions (3):

Labcorp Genetics (formerly Invitae), Labcorp
Classification: Pathogenic. Last evaluated: 2025-07-21. Review status: criteria provided, single submitter. Criteria: Invitae Variant Classification Sherloc (09022015). Collection method: clinical testing. Allele origin: germline.
Comment: This sequence change creates a premature translational stop signal (p.Arg165*) in the RNF168 gene. It is expected to result in an absent or disrupted protein product. Loss-of-function variants in RNF168 are known to be pathogenic (PMID: 19203578, 21394101). This variant is present in population databases (rs148275050, gnomAD 0.005%). This premature translational stop signal has been observed in individual(s) with clinical features of RIDDLE syndrome (PMID: 35874679). ClinVar contains an entry for this variant (Variation ID: 489117). Algorithms developed to predict the effect of sequence changes on RNA splicing suggest that this variant may create or strengthen a splice site. For these reasons, this variant has been classified as Pathogenic.

Fulgent Genetics
Classification: Likely pathogenic for RIDDLE syndrome. Last evaluated: 2022-03-14. Review status: criteria provided, single submitter. Criteria: ACMG Guidelines, 2015. Collection method: clinical testing. Allele origin: unknown.

GeneDx
Classification: Likely pathogenic. Last evaluated: 2019-04-04. Review status: criteria provided, single submitter. Criteria: GeneDx Variant Classification Process June 2021. Collection method: clinical testing. Allele origin: germline. Affected: yes.
Comment: Nonsense variant predicted to result in protein truncation or nonsense mediated decay in a gene for which loss-of-function is a known mechanism of disease; Not observed at a significant frequency in large population cohorts (Lek et al., 2016); Has not been previously published as pathogenic or benign to our knowledge

Literature cited by the submitters: PubMed 19203578 (cited by Labcorp Genetics (formerly Invitae), Labcorp); PubMed 21394101 (cited by Labcorp Genetics (formerly Invitae), Labcorp); PubMed 35874679 (cited by Labcorp Genetics (formerly Invitae), Labcorp).

NM_152617.4(RNF168):c.493C>T (p.Arg165Ter)

Gene: RNF168 (ring finger protein 168; minus strand). Cytogenetic location: 3q29.
Variant type: single nucleotide variant.
Coding change: c.493C>T on transcript NM_152617.4 (MANE Select); coding-DNA position 493, C replaced by T.
Protein change: p.Arg165Ter; replaces arginine 165 with a stop codon.
Molecular consequence: nonsense.
Genome position (GRCh38, 1-based): chr3:196,487,464, G>A on the plus strand (C>T on the coding strand, the complement: RNF168 is on the minus strand). VCF-style: chr3-196487464-G-A. GRCh37 (hg19) VCF-style: chr3-196214335-G-A.
Other names: c.493C>T (LRG_185t1); short protein forms R165*.
Identifiers: ClinVar variation 489117 (VCV000489117.9), dbSNP rs148275050, ClinGen allele CA2780921.